The following is an entry in ClinVar:

NM_024675.4(PALB2):c.1142_1143del (p.Leu381fs)

Gene: PALB2 (partner and localizer of BRCA2; minus strand). Cytogenetic location: 16p12.2.
Variant type: Deletion.
Coding change: c.1142_1143del on transcript NM_024675.4 (MANE Select); coding-DNA positions 1142 to 1143, 2 bases deleted (TT; older notation c.1142_1143delTT).
Protein change: p.Leu381fs; shifts the reading frame from leucine 381.
Molecular consequence: frameshift variant.
Genome position (GRCh38, 1-based): chr16:23,635,403-23,635,404, AA deleted on the plus strand (TT on the coding strand, the reverse complement: PALB2 is on the minus strand). VCF-style (leftmost placement, unchanged base first): chr16-23635402-TAA-T. GRCh37 (hg19) VCF-style: chr16-23646723-TAA-T.
Other names: c.1142_1143delTT (NM_024675.3); short protein forms L381fs.
Identifiers: ClinVar variation 1452562 (VCV001452562.8), dbSNP rs2142424706, ClinGen allele CA2573152186.
Genomic context (GRCh38, chr16:23,635,402, plus strand): 5'-GGCCTTCAGGCACTGTGCAAGAATGTTTTTCTGCAGAAAGAGGAGAGGTTGCTTCCAGGC[TAA>T]GACTCTTAGGTTGACTTAGAATCTCACTTTCCTGAAGATTTTCATTCCTGCCATCAAGAG-3'

ClinVar aggregate classification (germline): Pathogenic. Review status: criteria provided, multiple submitters, no conflicts (2 of 4 stars). 3 submissions from 3 submitters: Pathogenic (3). Last evaluated 2024-06-06.

Conditions:
Hereditary cancer-predisposing syndrome. Also called: Tumor predisposition; Neoplastic Syndromes, Hereditary; Hereditary Cancer Syndrome; Hereditary neoplastic syndrome. Identifiers: Orphanet 140162, MedGen C0027672, MeSH D009386, MONDO:0015356.
Familial cancer of breast. Also called: Hereditary breast cancer; hereditary breast carcinoma; BREAST CANCER, FAMILIAL. Identifiers: Orphanet 227535, MedGen C0346153, MONDO:0016419, OMIM 114480. Disease mechanism: loss of function.

Submissions (3):

Ambry Genetics
Classification: Pathogenic for Hereditary cancer-predisposing syndrome. Last evaluated: 2024-06-06. Review status: criteria provided, single submitter. Criteria: Ambry Variant Classification Scheme 2023. Collection method: clinical testing. Allele origin: germline.
Comment: The c.1142_1143delTT pathogenic mutation, located in coding exon 4 of the PALB2 gene, results from a deletion of two nucleotides at nucleotide positions 1142 to 1143, causing a translational frameshift with a predicted alternate stop codon (p.L381Qfs*19). This variant is considered to be rare based on population cohorts in the Genome Aggregation Database (gnomAD). This alteration is expected to result in loss of function by premature protein truncation or nonsense-mediated mRNA decay. As such, this alteration is interpreted as a disease-causing mutation.

Myriad Genetics, Inc.
Classification: Pathogenic for Familial cancer of breast. Last evaluated: 2023-01-12. Review status: criteria provided, single submitter. Criteria: Myriad Autosomal Dominant, Autosomal Recessive and X-Linked Classification Criteria (2023). Collection method: clinical testing. Allele origin: unknown.
Comment: This variant is considered pathogenic. This variant creates a frameshift predicted to result in premature protein truncation.

Labcorp Genetics (formerly Invitae), Labcorp
Classification: Pathogenic for Familial cancer of breast. Last evaluated: 2021-11-29. Review status: criteria provided, single submitter. Criteria: Invitae Variant Classification Sherloc (09022015). Collection method: clinical testing. Allele origin: germline.
Comment: This sequence change creates a premature translational stop signal (p.Leu381Glnfs*19) in the PALB2 gene. It is expected to result in an absent or disrupted protein product. Loss-of-function variants in PALB2 are known to be pathogenic (PMID: 17200668, 17200671, 17200672, 24136930, 25099575). This variant is not present in population databases (gnomAD no frequency). This variant has not been reported in the literature in individuals affected with PALB2-related conditions. For these reasons, this variant has been classified as Pathogenic.

Literature cited by the submitters: PubMed 17200668 (cited by Labcorp Genetics (formerly Invitae), Labcorp); PubMed 17200671 (cited by Labcorp Genetics (formerly Invitae), Labcorp); PubMed 17200672 (cited by Labcorp Genetics (formerly Invitae), Labcorp); PubMed 24136930 (cited by Labcorp Genetics (formerly Invitae), Labcorp); PubMed 25099575 (cited by Labcorp Genetics (formerly Invitae), Labcorp).